The following is an entry in ClinVar:

NM_000038.6(APC):c.835-1841G>C

Gene: APC (APC regulator of WNT signaling pathway; plus strand). Cytogenetic location: 5q22.2.
Variant type: single nucleotide variant.
Coding change: c.835-1841G>C on transcript NM_000038.6 (MANE Select); 1841 bases into the intron before coding-DNA position 835, G replaced by C.
Molecular consequence: intron variant.
Genome position (GRCh38, 1-based): chr5:112,813,654, G>C. VCF-style: chr5-112813654-G-C. GRCh37 (hg19) VCF-style: chr5-112149351-G-C.
Other names: c.835-1841G>C (NM_001354895.2, NM_001127510.3, NM_001354896.2 and 1 more transcripts); c.865-1841G>C (NM_001354897.2, NM_001354902.2); c.781-1841G>C (NM_001127511.3); c.760-1841G>C (NM_001354898.2, NM_001354904.2); c.-15-1841G>C (NM_001354906.2); c.751-1841G>C (NM_001354899.2); c.658-1841G>C (NM_001354900.2, NM_001354901.2, NM_001354905.2).
Identifiers: ClinVar variation 83087 (VCV000083087.2), dbSNP rs79512327, ClinGen allele CA015135.

ClinVar aggregate classification (germline): other (0 of 4 stars; one submission).

Conditions:
Familial colorectal cancer. Identifiers: MedGen CN280943, MONDO:0023113. Disease mechanism: loss of function.

Submission:

Systems Biology Platform Zhejiang California International NanoSystems Institute
Classification: other for Familial colorectal cancer. Review status: no assertion criteria provided. Collection method: not provided. Allele origin: unknown.
ClinVar note: Converted during submission from cancer to other.